The following is an entry in ClinVar:

ClinVar aggregate classification (germline): Pathogenic. Review status: criteria provided, multiple submitters, no conflicts (2 of 4 stars). 15 submissions from 15 submitters: Pathogenic (13). 2 of the submissions do not count toward it. Last evaluated 2026-07-02.

Conditions:
PCCA-related disorder. Also called: PCCA-related condition.
Propionic acidemia (PROP). Also called: GLYCINEMIA, KETOTIC; HYPERGLYCINEMIA WITH KETOACIDOSIS AND LEUKOPENIA; KETOTIC HYPERGLYCINEMIA. Identifiers: Orphanet 35, MedGen C0268579, MONDO:0011628, OMIM 606054, HP:0003571.

Allele frequency attached by ClinVar (database versions not stated): gnomAD exomes 0.00004; ExAC 0.00005; 1000 Genomes Project 30x 0.00016; gnomAD 0.00003; TOPMed 0.00002; 1000 Genomes Project 0.00020.
gnomAD v4.1: 40 of 1,613,104 alleles (0.0025%); highest among the groups gnomAD compares: South Asian, 0.032%; no homozygotes.

Submissions (15):

PreventionGenetics, part of Exact Sciences
Classification: Pathogenic for PCCA-related condition. Last evaluated: 2026-07-02. Review status: criteria provided, single submitter. Criteria: ACMG Guidelines, 2015. Collection method: clinical testing. Allele origin: germline.
Comment: The PCCA c.937C>T variant is predicted to result in premature protein termination (p.Arg313*). This variant has been reported in the homozygous state or with a second pathogenic variant in multiple individuals with propionic acidaemia (Chapman et al. 2015. PubMed ID: 26740382; Table S1, Liu et al. 2022. PubMed ID: 35331292; Kraus et al. 2011. PubMed ID: 22033733; Gupta et al. 2016. PubMed ID: 27227689). A functional study shows this variant results in complete absence of PCCA expression and 50% reduction in PCCB expression (Chapman et al. 2015. PubMed ID: 26740382). This variant is reported in 0.020% of alleles in individuals of South Asian descent in gnomAD and is consistently interpreted as pathogenic in ClinVar (Variation ID: 38870). Nonsense variants in PCCA are expected to be pathogenic. This variant is interpreted as pathogenic.

Natera, Inc.
Classification: Pathogenic for Propionic acidemia. Last evaluated: 2025-09-30. Review status: criteria provided, single submitter. Criteria: Natera Variant Classification Schema (03/2026). Collection method: clinical testing. Allele origin: germline.
Comment: The c.937C>T variant in PCCA is a nonsense variant predicted to introduce a stop codon at amino acid 313. This variant is expected to result in nonsense mediated decay, truncation, or a dysfunctional protein product. This variant is rare in the general population with a frequency below the threshold expected for the associated phenotype(s). This variant has been observed in one or more individuals affected with the associated recessive disease, as either homozygous or compound heterozygous with a second variant (PMID: 35331292). Given the available evidence, this variant is classified as Pathogenic.

Revvity Omics, Revvity
Classification: Pathogenic for Propionic acidemia. Last evaluated: 2025-06-27. Review status: criteria provided, single submitter. Criteria: ACMG Guidelines, 2015. Collection method: clinical testing. Allele origin: germline.

First Genomix Gene Laboratory, Genetic Diagnostics Department
Classification: Pathogenic for Propionic acidemia. Last evaluated: 2025-03-20. Review status: criteria provided, single submitter. Criteria: ACMG Guidelines, 2015. Collection method: clinical testing. Allele origin: germline. Inheritance: Autosomal recessive inheritance. Affected: no. Observed: 1 variant allele.

Labcorp Genetics (formerly Invitae), Labcorp
Classification: Pathogenic for Propionic acidemia. Last evaluated: 2025-02-05. Review status: criteria provided, single submitter. Criteria: Invitae Variant Classification Sherloc (09022015). Collection method: clinical testing. Allele origin: germline.
Comment: This sequence change creates a premature translational stop signal (p.Arg313*) in the PCCA gene. It is expected to result in an absent or disrupted protein product. Loss-of-function variants in PCCA are known to be pathogenic (PMID: 15464417). This variant is present in population databases (rs138149179, gnomAD 0.02%). This premature translational stop signal has been observed in individuals with PCCA-related conditions (PMID: 9887338, 10101253, 22033733, 27227689). ClinVar contains an entry for this variant (Variation ID: 38870). For these reasons, this variant has been classified as Pathogenic.

Fulgent Genetics
Classification: Pathogenic for Propionic acidemia. Last evaluated: 2024-03-20. Review status: criteria provided, single submitter. Criteria: ACMG Guidelines, 2015. Collection method: clinical testing. Allele origin: germline.

Foundation for Research in Genetics and Endocrinology, FRIGE's Institute of Human Genetics
Classification: Pathogenic for Propionic acidemia. Last evaluated: 2022-12-08. Review status: criteria provided, single submitter. Criteria: ACMG Guidelines, 2015. Collection method: clinical testing. Allele origin: germline. Inheritance: Autosomal recessive inheritance. Affected: yes. Observed: 1 heterozygote.
Comment: A heterozygous single base pair deletion in exon 12 of the PCCA gene that results in a frameshift and premature truncation of the amino acids downstream to codon 313 (p.Arg313Ter) was detected. This variant has not been reported in the 1000 genomes, gnomAD and our internal databases. The in silico predictions of the variant is damaging by dbSNP and clinvar databases. The reference region is conserved across species. In summary, the variant is pathogenic.

3billion
Classification: Pathogenic for Propionic acidemia. Last evaluated: 2022-03-22. Review status: criteria provided, single submitter. Criteria: ACMG Guidelines, 2015. Collection method: clinical testing. Allele origin: germline. Affected: yes. Observed: 1 homozygote.
Comment: Stop-gained (nonsense): predicted to result in a loss or disruption of normal protein function through nonsense-mediated decay (NMD) or protein truncation. Multiple pathogenic variants are reported downstream of the variant. The variant has been observed in multiple (>3) similarly affected unrelated individuals (PMID: 27227689, 22033733). The variant has been reported to be in trans with a pathogenic variant as either compound heterozygous or homozygous in at least one similarly affected unrelated individual(PMID: 27227689, 22033733). It is observed at an extremely low frequency in the gnomAD v2.1.1 dataset (total allele frequency: 0.0000397). Therefore, this variant is classified as pathogenic according to the recommendation of ACMG/AMP guideline.

Victorian Clinical Genetics Services, Murdoch Childrens Research Institute
Classification: Pathogenic for Propionic acidemia. Last evaluated: 2022-02-02. Review status: criteria provided, single submitter. Criteria: ACMG Guidelines, 2015. Collection method: clinical testing. Allele origin: germline. Inheritance: Autosomal recessive inheritance.
Comment: Based on the classification scheme VCGS_Germline_v1.3.4, this variant is classified as Pathogenic. Following criteria are met: 0102 - Loss of function is a known mechanism of disease in this gene and is associated with propionicacidemia (MIM#606054). (I) 0106 - This gene is associated with autosomal recessive disease. (I) 0201 - Variant is predicted to cause nonsense-mediated decay (NMD) and loss of protein (premature termination codon is located at least 54 nucleotides upstream of the final exon-exon junction). (SP) 0251 - This variant is heterozygous. (I) 0304 - Variant is present in gnomAD (v2) <0.01 for a recessive condition (10 heterozygotes, 0 homozygotes). (SP) 0701 - Other NMD predicted variants comparable to the one identified in this case have very strong previous evidence for pathogenicity (ClinVar). (SP) 0801 - This variant has strong previous evidence of pathogenicity in unrelated individuals. This variant has been previously described as pathogenic in multiple individuals with propionic acidaemia (ClinVar, PMID: 32819290, 27227689, 22033733). (I) Legend: (SP) - Supporting pathogenic, (I) - Information, (SB) - Supporting benign

Women's Health and Genetics/Laboratory Corporation of America, LabCorp
Classification: Pathogenic for Propionyl-CoA carboxylase deficiency. Last evaluated: 2018-05-25. Review status: criteria provided, single submitter. Criteria: LabCorp Variant Classification Summary - May 2015. Collection method: clinical testing. Allele origin: germline.
Comment: Variant summary: PCCA c.937C>T (p.Arg313X) results in a premature termination codon, predicted to cause a truncation of the encoded protein or absence of the protein due to nonsense mediated decay, which are commonly known mechanisms for disease. The variant allele was found at a frequency of 3.2e-05 in 276992 control chromosomes (gnomAD). This frequency is not significantly higher than expected for a pathogenic variant in PCCA causing Propionic Acidemia (3.2e-05 vs 3.40e-03), allowing no conclusion about variant significance. The variant, c.937C>T, has been reported in the literature in multiple individuals affected with Propionic Acidemia (Kraus_2012, Gupta_2016). These data indicate that the variant is very likely to be associated with disease. At least one publication reports experimental evidence evaluating an impact on protein function, with complete absence of PCCA and very low levels of PCCB in a cultured liver cells homozygous for this variant (Chapman_PCCA_HMG_2016). No clinical diagnostic laboratories have submitted clinical-significance assessments for this variant to ClinVar after 2014. Based on the evidence outlined above, the variant was classified as pathogenic.

Eurofins Ntd Llc (ga)
Classification: Pathogenic. Last evaluated: 2013-07-03. Review status: criteria provided, single submitter. Criteria: EGL Classification Definitions. Collection method: clinical testing. Allele origin: germline. Observed: 3 variant alleles, 2 heterozygotes, 1 homozygote.

Institute of Medical Genetics and Genomics, Sir Ganga Ram Hospital
Classification: Pathogenic for Propionic Acidemia. Last evaluated: 2012-01-01. Review status: criteria provided, single submitter. Criteria: Gupta et al. (Genet Test Mol Biomarkers 2016). Collection method: research. Allele origin: germline. Affected: yes. Observed: 3 variant alleles. Study: ORGANIC ACIDURIAS.
Comment: Nonsense mutation

Juno Genomics, Hangzhou Juno Genomics, Inc
Classification: Pathogenic for Propionic acidemia. Review status: criteria provided, single submitter. Criteria: ACMG Guidelines, 2015. Collection method: clinical testing. Allele origin: germline.
Comment: Absent from controls (or at extremely low frequency if recessive) in Genome Aggregation Database.;Null variant in a gene where loss of function (LOF) is a known mechanism of disease.;For recessive disorders, detected in trans with a pathogenic variant.;Patient's phenotype or family history is highly specific for a disease with a single genetic etiology.

Counsyl
Classification: Pathogenic for Propionic acidemia. Last evaluated: 2017-06-27. Review status: no assertion criteria provided. Collection method: clinical testing. Allele origin: unknown. Not counted in ClinVar's aggregate classification.

GeneReviews
No classification provided. Condition: Propionic acidemia. Review status: no classification provided. Collection method: literature only. Allele origin: unknown. Not counted in ClinVar's aggregate classification.

Literature cited by the submitters: PubMed 35331292 (cited by Natera, Inc.); PubMed 15464417 (cited by Labcorp Genetics (formerly Invitae), Labcorp); PubMed 9887338 (cited by Labcorp Genetics (formerly Invitae), Labcorp and 3billion); PubMed 10101253 (cited by Labcorp Genetics (formerly Invitae), Labcorp); PubMed 22033733 (cited by 4 submitters); PubMed 27227689 (cited by 5 submitters); PubMed 32819290 (cited by Victorian Clinical Genetics Services, Murdoch Childrens Research Institute); PubMed 26740382 (cited by Women's Health and Genetics/Laboratory Corporation of America, LabCorp); PubMed 22334403 (cited by Counsyl); PubMed 22593918 (cited by GeneReviews); NCBI Bookshelf NBK92946 (cited by GeneReviews).

NM_000282.4(PCCA):c.937C>T (p.Arg313Ter)

Gene: PCCA (propionyl-CoA carboxylase subunit alpha; plus strand). Cytogenetic location: 13q32.3.
Variant type: single nucleotide variant.
Coding change: c.937C>T on transcript NM_000282.4 (MANE Select); coding-DNA position 937, C replaced by T.
Protein change: p.Arg313Ter; replaces arginine 313 with a stop codon.
Molecular consequence: nonsense. On other transcripts: 5 prime UTR variant (3), non-coding transcript variant (5).
Genome position (GRCh38, 1-based): chr13:100,273,218, C>T. VCF-style: chr13-100273218-C-T. GRCh37 (hg19) VCF-style: chr13-100925472-C-T.
Other names: c.859C>T, p.Arg287Ter (NM_001127692.3, NM_001352607.2, NM_001352608.2); c.937C>T, p.Arg313Ter (NM_001178004.2, NM_001352605.2, NM_001352606.2 and 1 more transcripts); c.-9C>T (NM_001352610.2, NM_001352611.2, NM_001352612.2); short protein forms R313*, R287*.
Identifiers: ClinVar variation 38870 (VCV000038870.37), dbSNP rs138149179, ClinGen allele CA220602.
Genomic context (GRCh38, chr13:100,273,218, plus strand): 5'-TGTCCGAAATGTAGACAAACATTTTTTTGTATATGTAGCATTTTTTTGGATGCGGAGACT[C>T]GAAGAGCGATGGGAGAACAAGCTGTAGCTCTTGCCAGAGCAGTAAAATATTCCTCTGCTG-3'